The following is an entry in ClinVar:

ClinVar aggregate classification (germline): Uncertain significance (1 of 4 stars; one submission).

gnomAD v4.1: 10 of 1,613,976 alleles (0.00062%); highest among the groups gnomAD compares: African/African-American, 0.013%; no homozygotes.

Submission:

Ambry Genetics
Classification: Uncertain significance. Last evaluated: 2026-09-02. Review status: criteria provided, single submitter. Criteria: Ambry Variant Classification Scheme 2023. Collection method: clinical testing. Allele origin: germline.
Comment: The c.3324G>T (p.E1108D) alteration is located in exon 22 (coding exon 22) of the KDM5A gene. This alteration results from a G to T substitution at nucleotide position 3324, causing the glutamic acid (E) at amino acid position 1108 to be replaced by an aspartic acid (D). Based on data from gnomAD, the T allele has an overall frequency of 0.002% (6/280846) total alleles studied. The highest observed frequency was 0.025% (6/24196) of African alleles. Based on insufficient or conflicting evidence, the clinical significance of this alteration remains unclear.

NM_001042603.3(KDM5A):c.3324G>T (p.Glu1108Asp)

Gene: KDM5A (lysine demethylase 5A; minus strand). Cytogenetic location: 12p13.33.
Variant type: single nucleotide variant.
Coding change: c.3324G>T on transcript NM_001042603.3 (MANE Select); coding-DNA position 3324, G replaced by T.
Protein change: p.Glu1108Asp; replaces glutamic acid 1108 with aspartic acid.
Molecular consequence: missense variant.
Genome position (GRCh38, 1-based): chr12:309,857, C>A on the plus strand (G>T on the coding strand, the complement: KDM5A is on the minus strand). VCF-style: chr12-309857-C-A. GRCh37 (hg19) VCF-style: chr12-419023-C-A.
Other names: short protein forms E1108D.
Identifiers: ClinVar variation 3533144 (VCV003533144.2).